The following is an entry in ClinVar:

ClinVar aggregate classification (germline): Pathogenic. Review status: reviewed by expert panel (3 of 4 stars). 7 submissions from 7 submitters: Pathogenic (1). 6 of the submissions do not count toward it. Last evaluated 2024-06-25.

Conditions:
Von Hippel-Lindau syndrome (VHLS). Also called: VHL syndrome; Von Hippel-Lindau; von Hippel–Lindau syndrome. Identifiers: Orphanet 892, MedGen C0019562, MONDO:0008667, OMIM 193300. Disease mechanism: loss of function.
Chuvash polycythemia. Also called: POLYCYTHEMIA, VHL-DEPENDENT. Identifiers: Orphanet 238557, MedGen C1837915, MONDO:0009892, OMIM 263400.
Hereditary cancer-predisposing syndrome. Also called: Tumor predisposition; Hereditary Cancer Syndrome; Hereditary neoplastic syndrome; Neoplastic Syndromes, Hereditary. Identifiers: Orphanet 140162, MedGen C0027672, MeSH D009386, MONDO:0015356.

Submissions (7):

ClinGen VHL Variant Curation Expert Panel, ClinGen
Classification: Pathogenic for Von Hippel-Lindau syndrome. Last evaluated: 2024-06-25. Review status: reviewed by expert panel. Criteria: ClinGen VHL VCEP ACMG Specifications VHL V1. Collection method: curation. Allele origin: germline. Inheritance: Autosomal dominant inheritance.
Comment: This variant has been identified in at least 9 unrelated probands (and other related family members not counted within each) all meeting Danish VHL criteria, from literature evaluated in both CIViC and Hypothes.is VHL datasets. CIViC EIDs: 8292;7606;5776;9374;6806;6538. This corresponds to Strong evidence (5-15 probands) (PS4). This variant is absent from gnomAD v4.1.0 (PM2_Supporting). This variant has been reported in 3 probands/families meeting meeting either VHL Type 1 or affected with VHL-related cancers. (2.25 points, PS4_Moderate; PMID: 11114638, 12114494, 9829911). In summary, this variant meets the criteria to be classified as Pathogenic for autosomal-dominant von Hippel Lindau syndrome (VHL syndrome) based on the ACMG/AMP criteria applied, as specified by the ClinGen VHL VCEP Version 1.0 (Specifications approval date: 02/26/2024. Variant Approval Date 06/25/2024).

Ambry Genetics
Classification: Pathogenic for Hereditary cancer-predisposing syndrome. Last evaluated: 2024-06-25. Review status: criteria provided, single submitter. Criteria: Ambry Variant Classification Scheme 2023. Collection method: clinical testing. Allele origin: germline. Not counted in ClinVar's aggregate classification.
Comment: The c.477delA pathogenic mutation, located in coding exon 3 of the VHL gene, results from a deletion of one nucleotide at nucleotide position 477, causing a translational frameshift with a predicted alternate stop codon (p.E160Sfs*10). This alteration occurs at the 3' terminus of theVHL gene, is not expected to trigger nonsense-mediated mRNA decay, and impacts the last 25.2% of the protein. However, premature stop codons are typically deleterious in nature and a significant portion of the protein is affected and the impacted region is critical for protein function (Ambry internal data). This variant is considered to be rare based on population cohorts in the Genome Aggregation Database (gnomAD). Based on the supporting evidence, this variant is interpreted as a disease-causing mutation.

Labcorp Genetics (formerly Invitae), Labcorp
Classification: Pathogenic for Von Hippel-Lindau syndrome; Chuvash polycythemia. Last evaluated: 2024-01-30. Review status: criteria provided, single submitter. Criteria: Invitae Variant Classification Sherloc (09022015). Collection method: clinical testing. Allele origin: germline. Not counted in ClinVar's aggregate classification.
Comment: This sequence change creates a premature translational stop signal (p.Glu160Serfs*10) in the VHL gene. While this is not anticipated to result in nonsense mediated decay, it is expected to disrupt the last 54 amino acid(s) of the VHL protein. This variant is not present in population databases (gnomAD no frequency). This premature translational stop signal has been observed in individual(s) with von Hippel-Lindau syndrome (PMID: 982991). This variant is also known as c.688delA. ClinVar contains an entry for this variant (Variation ID: 182959). This variant disrupts a region of the VHL protein in which other variant(s) (p.Tyr175*) have been determined to be pathogenic (PMID: 9829912, 12202531, 15300849; Invitae). This suggests that this is a clinically significant region of the protein, and that variants that disrupt it are likely to be disease-causing. For these reasons, this variant has been classified as Pathogenic.

Baylor Genetics
Classification: Pathogenic for Chuvash polycythemia. Last evaluated: 2022-12-08. Review status: criteria provided, single submitter. Criteria: ACMG Guidelines, 2015. Collection method: clinical testing. Allele origin: unknown. Not counted in ClinVar's aggregate classification.

GeneDx
Classification: Pathogenic. Last evaluated: 2019-08-21. Review status: criteria provided, single submitter. Criteria: GeneDx Variant Classification Process June 2021. Collection method: clinical testing. Allele origin: germline. Affected: yes. Not counted in ClinVar's aggregate classification.
Comment: Frameshift variant predicted to result in protein truncation or nonsense mediated decay in a gene for which loss-of-function is a known mechanism of disease; Not observed in large population cohorts (Lek 2016); This variant is associated with the following publications: (PMID: 22825683, 19755989, 9829911, 20454689, 20151405, 19996202)

ARUP Laboratories, Molecular Genetics and Genomics, ARUP Laboratories
Classification: Pathogenic. Last evaluated: 2019-01-17. Review status: criteria provided, single submitter. Criteria: ARUP Molecular Germline Variant Investigation Process. Collection method: clinical testing. Allele origin: germline. Not counted in ClinVar's aggregate classification.
Comment: The VHL c.477delA; p.Glu160fs variant (rs730882020), also reported as 688delA, is reported in the literature in a family affected with von Hippel-Lindau syndrome (Stolle 1998) and in a renal cell carcinoma sample (Taylor 2012). This variant is absent from general population databases (Exome Variant Server, Genome Aggregation Database), indicating it is not a common polymorphism, and it is reported as pathogenic by multiple laboratories in ClinVar (Variation ID: 182959). This variant causes a frameshift by deleting a single nucleotide, so it is predicted to result in a truncated protein or mRNA subject to nonsense-mediated decay. Based on available information, this variant is considered to be pathogenic. References: Stolle C et al. Improved detection of germline mutations in the von Hippel-Lindau disease tumor suppressor gene. Hum Mutat. 1998;12(6):417-23. Taylor C et al. Determination of the consequences of VHL mutations on VHL transcripts in renal cell carcinoma. Int J Oncol. 2012 Oct;41(4):1229-40.

Genomic Diagnostic Laboratory, Division of Genomic Diagnostics, Children's Hospital of Philadelphia
Classification: Pathogenic for Von Hippel-Lindau syndrome. Last evaluated: 2016-02-26. Review status: no assertion criteria provided. Collection method: clinical testing. Allele origin: germline. Observed: 5 variant alleles. Not counted in ClinVar's aggregate classification.

Literature cited by the submitters: PubMed 982991 (cited by Labcorp Genetics (formerly Invitae), Labcorp); PubMed 9829912 (cited by Labcorp Genetics (formerly Invitae), Labcorp); PubMed 12202531 (cited by Labcorp Genetics (formerly Invitae), Labcorp); PubMed 15300849 (cited by Labcorp Genetics (formerly Invitae), Labcorp).

NM_000551.4(VHL):c.477del (p.Glu160fs)

Genes: VHL (von Hippel-Lindau tumor suppressor; plus strand), LOC107303340 (3p25 von Hippel-Lindau tumor suppressor, E3 ubiquitin protein ligase Alu-mediated recombination region; plus strand). Cytogenetic location: 3p25.3.
Variant type: Deletion.
Coding change: c.477del on transcript NM_000551.4 (MANE Select); coding-DNA position 477, one base deleted (A; older notation c.477delA).
Protein change: p.Glu160fs; shifts the reading frame from glutamic acid 160.
Molecular consequence: frameshift variant. On other transcripts: 3 prime UTR variant (1).
Genome position (GRCh38, 1-based): chr3:10,149,800, A deleted; the last of 3 consecutive A bases (chr3:10,149,798-10,149,800); deleting any one gives the same sequence. VCF-style (leftmost placement, unchanged base first): chr3-10149797-GA-G. GRCh37 (hg19) VCF-style: chr3-10191481-GA-G.
Other names: NM_000551.4(VHL):c.477del; p.Glu160fs; c.477delA (NM_000551.3); c.*31del (NM_001354723.2); c.354del, p.Glu119fs (NM_198156.3); short protein forms E119fs, E160fs.
Identifiers: ClinVar variation 182959 (VCV000182959.21), dbSNP rs730882020, ClinGen allele CA020404.